The following is an entry in ClinVar:

ClinVar aggregate classification (germline): Uncertain significance (1 of 4 stars; one submission).

Conditions:
Cardiovascular phenotype. Identifiers: MedGen CN230736.

gnomAD v4.1: 5 of 1,614,136 alleles (0.00031%); highest among the groups gnomAD compares: Admixed American, 0.0017%; no homozygotes.

Submission:

Ambry Genetics
Classification: Uncertain significance for Cardiovascular phenotype. Last evaluated: 2024-08-28. Review status: criteria provided, single submitter. Criteria: Ambry Variant Classification Scheme 2023. Collection method: clinical testing. Allele origin: germline.
Comment: The p.K1120Q variant (also known as c.3358A>C), located in coding exon 16 of the MYPN gene, results from an A to C substitution at nucleotide position 3358. The lysine at codon 1120 is replaced by glutamine, an amino acid with similar properties. This amino acid position is conserved. In addition, the in silico prediction for this alteration is inconclusive. Based on the available evidence, the clinical significance of this variant remains unclear.

NM_032578.4(MYPN):c.3358A>C (p.Lys1120Gln)

Gene: MYPN (myopalladin; plus strand). Cytogenetic location: 10q21.3.
Variant type: single nucleotide variant.
Coding change: c.3358A>C on transcript NM_032578.4 (MANE Select); coding-DNA position 3358, A replaced by C.
Protein change: p.Lys1120Gln; replaces lysine 1120 with glutamine.
Molecular consequence: missense variant. On other transcripts: non-coding transcript variant (2).
Genome position (GRCh38, 1-based): chr10:68,199,440, A>C. VCF-style: chr10-68199440-A-C. GRCh37 (hg19) VCF-style: chr10-69959197-A-C.
Other names: c.3358A>C, p.Lys1120Gln (NM_001256267.2); c.2476A>C, p.Lys826Gln (NM_001256268.2); short protein forms K1120Q, K826Q.
Identifiers: ClinVar variation 3402033 (VCV003402033.1).